The following is an entry in ClinVar:

NM_052874.5(STX1B):c.31-5C>A

Gene: STX1B (syntaxin 1B; minus strand). Cytogenetic location: 16p11.2.
Variant type: single nucleotide variant.
Coding change: c.31-5C>A on transcript NM_052874.5 (MANE Select); 5 bases into the intron before coding-DNA position 31, C replaced by A.
Molecular consequence: intron variant.
Genome position (GRCh38, 1-based): chr16:31,001,608, G>T on the plus strand (C>A on the coding strand, the complement: STX1B is on the minus strand). VCF-style: chr16-31001608-G-T. GRCh37 (hg19) VCF-style: chr16-31012929-G-T.
Identifiers: ClinVar variation 3450968 (VCV003450968.1).
Genomic context (GRCh38, chr16:31,001,608, plus strand): 5'-ATGAAGTGGTCCCGATCCACGTGGACCACCTCCTCTTCATCATCACTGTCTTTCGCCTGG[G>T]GACAAGGAAGGCTGAGTCCATGAGCAGGCCCTACCTGGGTCCCCAAGGCTGGCTCTCCAG-3'

ClinVar aggregate classification (germline): Uncertain significance (1 of 4 stars; one submission).

Conditions:
Inborn genetic diseases. Identifiers: MedGen C0950123, MeSH D030342.

Submission:

Ambry Genetics
Classification: Uncertain significance for Inborn genetic diseases. Last evaluated: 2024-11-06. Review status: criteria provided, single submitter. Criteria: Ambry Variant Classification Scheme 2023. Collection method: clinical testing. Allele origin: germline.
Comment: The c.31-5C>A intronic alteration consists of a C to A substitution 5 nucleotides before exon 2 of the STX1B gene. Based on insufficient or conflicting evidence, the clinical significance of this alteration remains unclear.